The following is an entry in ClinVar:

ClinVar aggregate classification (germline): Uncertain significance (1 of 4 stars; one submission).

Conditions:
Familial hypocalciuric hypercalcemia (FHH). Also called: Familial benign hypercalcemia. Identifiers: Orphanet 405, MedGen C1809471, MONDO:0018458.
Autosomal dominant hypocalcemia 1 (HYPOC1). Also called: HYPOCALCEMIA, FAMILIAL. Identifiers: MedGen C3715128, MONDO:0011013, OMIM 601198.

Submission:

Labcorp Genetics (formerly Invitae), Labcorp
Classification: Uncertain significance for Familial hypocalciuric hypercalcemia; Autosomal dominant hypocalcemia 1. Last evaluated: 2022-01-06. Review status: criteria provided, single submitter. Criteria: Invitae Variant Classification Sherloc (09022015). Collection method: clinical testing. Allele origin: germline.
Comment: Algorithms developed to predict the effect of missense changes on protein structure and function are either unavailable or do not agree on the potential impact of this missense change (SIFT: "Deleterious"; PolyPhen-2: "Probably Damaging"; Align-GVGD: "Class C0"). In summary, the available evidence is currently insufficient to determine the role of this variant in disease. Therefore, it has been classified as a Variant of Uncertain Significance. This variant has not been reported in the literature in individuals affected with CASR-related conditions. This variant is not present in population databases (gnomAD no frequency). This sequence change replaces glutamic acid, which is acidic and polar, with valine, which is neutral and non-polar, at codon 999 of the CASR protein (p.Glu999Val).

NM_000388.4(CASR):c.2996A>T (p.Glu999Val)

Gene: CASR (calcium sensing receptor; plus strand). Cytogenetic location: 3q21.1.
Variant type: single nucleotide variant.
Coding change: c.2996A>T on transcript NM_000388.4 (MANE Select); coding-DNA position 2996, A replaced by T.
Protein change: p.Glu999Val; replaces glutamic acid 999 with valine.
Molecular consequence: missense variant.
Genome position (GRCh38, 1-based): chr3:122,284,950, A>T. VCF-style: chr3-122284950-A-T. GRCh37 (hg19) VCF-style: chr3-122003797-A-T.
Other names: c.3026A>T, p.Glu1009Val (NM_001178065.2); short protein forms E999V, E1009V.
Identifiers: ClinVar variation 1389743 (VCV001389743.8), dbSNP rs201052958, ClinGen allele CA354161228.